The following is an entry in ClinVar:

ClinVar aggregate classification (germline): Uncertain significance (1 of 4 stars; one submission).

Conditions:
Actin accumulation myopathy (CMYO2A). Also called: Myopathy, actin, congenital, with cores; Nemaline myopathy 3, with intranuclear rods; Nemaline myopathy type 3; Myopathy, actin, congenital, with excess of thin myofilaments; CONGENITAL MYOPATHY 2A, TYPICAL, AUTOSOMAL DOMINANT. Identifiers: Orphanet 98904, MedGen C3711389, MONDO:0008070, OMIM 161800.

Submission:

Labcorp Genetics (formerly Invitae), Labcorp
Classification: Uncertain significance for Actin accumulation myopathy. Last evaluated: 2021-08-21. Review status: criteria provided, single submitter. Criteria: Invitae Variant Classification Sherloc (09022015). Collection method: clinical testing. Allele origin: germline.
Comment: Algorithms developed to predict the effect of missense changes on protein structure and function are either unavailable or do not agree on the potential impact of this missense change (SIFT: "Not Available"; PolyPhen-2: "Possibly Damaging"; Align-GVGD: "Not Available"). This sequence change replaces alanine with asparagine at codon 233 of the ACTA1 protein (p.Ala233Asn). The alanine residue is highly conserved and there is a moderate physicochemical difference between alanine and asparagine. The frequency data for this variant in the population databases is not available, as this variant may be reported as separate entries in the ExAC database. This missense change has been observed in individual(s) with clinical features of ACTA1-related conditions (Invitae). In summary, the available evidence is currently insufficient to determine the role of this variant in disease. Therefore, it has been classified as a Variant of Uncertain Significance.

NM_001100.4(ACTA1):c.697_698delinsAA (p.Ala233Asn)

Gene: ACTA1 (actin alpha 1, skeletal muscle; minus strand). Cytogenetic location: 1q42.13.
Variant type: Indel.
Coding change: c.697_698delinsAA on transcript NM_001100.4 (MANE Select); coding-DNA positions 697 to 698, GC replaced by AA.
Protein change: p.Ala233Asn; replaces alanine 233 with asparagine.
Molecular consequence: missense variant.
Genome position (GRCh38, 1-based): chr1:229,432,104-229,432,105, GC replaced by TT on the plus strand (GC replaced by AA on the coding strand, the reverse complement: ACTA1 is on the minus strand). VCF-style: chr1-229432104-GC-TT. GRCh37 (hg19) VCF-style: chr1-229567851-GC-TT.
Other names: short protein forms A233N.
Identifiers: ClinVar variation 1469898 (VCV001469898.6), dbSNP rs2102735641, ClinGen allele CA2573132017.